The following is an entry in ClinVar:

ClinVar aggregate classification (germline): Uncertain significance (1 of 4 stars; one submission).

gnomAD v4.1: 1 of 1,613,840 alleles (0.000062%); highest among the groups gnomAD compares: South Asian, 0.0011%; no homozygotes.

Submission:

CeGaT Center for Human Genetics Tuebingen
Classification: Uncertain significance. Last evaluated: 2026-02-01. Review status: criteria provided, single submitter. Criteria: CeGaT Center For Human Genetics Tuebingen Variant Classification Criteria Version 2. Collection method: clinical testing. Allele origin: germline. Affected: yes. Observed: 1 variant allele.
Comment: SPTAN1: PM2, BP4

NM_001130438.3(SPTAN1):c.5835C>T (p.Asn1945=)

Gene: SPTAN1 (spectrin alpha, non-erythrocytic 1; plus strand). Cytogenetic location: 9q34.11.
Variant type: single nucleotide variant.
Coding change: c.5835C>T on transcript NM_001130438.3 (MANE Select); coding-DNA position 5835, C replaced by T.
Protein change: p.Asn1945=; no amino-acid change (asparagine 1945 retained).
Molecular consequence: synonymous variant.
Genome position (GRCh38, 1-based): chr9:128,624,330, C>T. VCF-style: chr9-128624330-C-T. GRCh37 (hg19) VCF-style: chr9-131386609-C-T.
Other names: c.5760C>T, p.Asn1920= (NM_001195532.2, NM_001438441.1, NM_001438444.1); c.5835C>T, p.Asn1945= (NM_001363759.2, NM_001375310.1, NM_001375311.2 and 1 more transcripts); c.5775C>T, p.Asn1925= (NM_001363765.2, NM_001375314.2, NM_001438442.1); c.5871C>T, p.Asn1957= (NM_001375312.2, NM_001375318.1, NM_001438440.1); c.5820C>T, p.Asn1940= (NM_001438443.1, NM_001438445.1, NM_003127.4).
Identifiers: ClinVar variation 4823278 (VCV004823278.4).